The following is an entry in ClinVar:

NM_003611.3(OFD1):c.2464GAG[1] (p.Glu823del)

Gene: OFD1 (OFD1 centriole and centriolar satellite protein; plus strand). Cytogenetic location: Xp22.2.
Variant type: Microsatellite.
Coding change: c.2464GAG[1] on transcript NM_003611.3 (MANE Select); one copy of the 3-base unit GAG starting at c.2464; the reference has two copies in a row; one copy, 3 bases deleted.
Protein change: p.Glu823del; deletes glutamic acid 823.
Molecular consequence: inframe deletion.
Genome position (GRCh38, 1-based): chrX:13,762,423-13,762,425, GAG deleted; deleting any 3 consecutive bases within chrX:13,762,420-13,762,425 gives the same sequence; the position shown is the placement nearest the transcript's 3' end. VCF-style (leftmost placement, unchanged base first): chrX-13762419-TGAG-T. GRCh37 (hg19) VCF-style: chrX-13780538-TGAG-T.
Other names: c.2344GAG[1], p.Glu783del (NM_001330209.2); c.2044GAG[1], p.Glu683del (NM_001330210.2); short protein forms E683del, E783del, E823del.
Identifiers: ClinVar variation 992902 (VCV000992902.6), dbSNP rs771984968, ClinGen allele CA10352010.

ClinVar aggregate classification (germline): Uncertain significance. Review status: criteria provided, multiple submitters, no conflicts (2 of 4 stars). 2 submissions from 2 submitters: Uncertain significance (2). Last evaluated 2025-03-17.

Conditions:
Joubert syndrome. Also called: Familial aplasia of the vermis; CEREBELLOPARENCHYMAL DISORDER IV; JOUBERT-BOLTSHAUSER SYNDROME. Identifiers: Orphanet 475, MedGen C5979921, MONDO:0018772.
Orofaciodigital syndrome I (OFD1). Also called: Papillon-Leage and Psaume Syndrome; Oral-Facial-Digital Syndrome Type I; OFDS I. Identifiers: Orphanet 2750, MedGen C1510460, MONDO:0010702, OMIM 311200.
Simpson-Golabi-Behmel syndrome type 2. Identifiers: Orphanet 79022, MedGen C1846175, MONDO:0010265, OMIM 300209.

Submissions (2):

Labcorp Genetics (formerly Invitae), Labcorp
Classification: Uncertain significance for Orofaciodigital syndrome I; Joubert syndrome. Last evaluated: 2025-03-17. Review status: criteria provided, single submitter. Criteria: Invitae Variant Classification Sherloc (09022015). Collection method: clinical testing. Allele origin: germline.
Comment: This variant, c.2467_2469del, results in the deletion of 1 amino acid(s) of the OFD1 protein (p.Glu823del), but otherwise preserves the integrity of the reading frame. This variant is present in population databases (rs771984968, gnomAD 0.005%). This variant has not been reported in the literature in individuals affected with OFD1-related conditions. ClinVar contains an entry for this variant (Variation ID: 992902). Experimental studies and prediction algorithms are not available or were not evaluated, and the functional significance of this variant is currently unknown. In summary, the available evidence is currently insufficient to determine the role of this variant in disease. Therefore, it has been classified as a Variant of Uncertain Significance.

Johns Hopkins Genomics, Johns Hopkins University
Classification: Uncertain significance for Simpson-Golabi-Behmel syndrome type 2. Last evaluated: 2021-01-12. Review status: criteria provided, single submitter. Criteria: ACMG Guidelines, 2015. Collection method: clinical testing. Allele origin: germline.
Comment: This in-frame deletion (rs771984968) is rare (<0.1%) in a large population dataset (gnomAD: 2/182477 total alleles; 0.001%; no homozygotes; 1 hemizygote) and has not been reported in ClinVar nor the literature, to our knowledge. One bioinformatic tool queried predicts that this substitution would be damaging, and the glutamic acid residue at this position is highly evolutionarily conserved across most species assessed. We consider the clinical significance of c.2467_2469del to be uncertain at this time.